The following is an entry in ClinVar:

ClinVar aggregate classification (germline): Uncertain significance (1 of 4 stars; one submission).

Conditions:
Hereditary cancer-predisposing syndrome. Also called: Neoplastic Syndromes, Hereditary; Tumor predisposition; Hereditary Cancer Syndrome; Hereditary neoplastic syndrome. Identifiers: Orphanet 140162, MedGen C0027672, MeSH D009386, MONDO:0015356.

Submission:

Ambry Genetics
Classification: Uncertain significance for Hereditary cancer-predisposing syndrome. Last evaluated: 2025-12-05. Review status: criteria provided, single submitter. Criteria: Ambry Variant Classification Scheme 2023. Collection method: clinical testing. Allele origin: germline.
Comment: The p.E1397K variant (also known as c.4189G>A), located in coding exon 15 of the APC gene, results from a G to A substitution at nucleotide position 4189. The glutamic acid at codon 1397 is replaced by lysine, an amino acid with similar properties. This amino acid position is well conserved in available vertebrate species. In addition, in silico predictors for this gene do not accurately predict pathogenicity. Missense variants in APC are not a common cause of disease (Spier I et al. Genet Med. 2024 Feb;26(2):100992). Based on the available evidence, the clinical significance of this variant remains unclear.

NM_000038.6(APC):c.4189G>A (p.Glu1397Lys)

Gene: APC (APC regulator of Wnt signaling pathway; plus strand). Cytogenetic location: 5q22.2.
Variant type: single nucleotide variant.
Coding change: c.4189G>A on transcript NM_000038.6 (MANE Select); coding-DNA position 4189, G replaced by A.
Protein change: p.Glu1397Lys; replaces glutamic acid 1397 with lysine.
Molecular consequence: missense variant. On other transcripts: non-coding transcript variant (2).
Genome position (GRCh38, 1-based): chr5:112,839,783, G>A. VCF-style: chr5-112839783-G-A. GRCh37 (hg19) VCF-style: chr5-112175480-G-A.
Other names: c.4189G>A, p.Glu1397Lys (NM_001127510.3, NM_001354895.2, NM_001407450.1); c.4135G>A, p.Glu1379Lys (NM_001127511.3); c.4243G>A, p.Glu1415Lys (NM_001354896.2, NM_001407447.1, NM_001407448.1 and 1 more transcripts); c.4219G>A, p.Glu1407Lys (NM_001354897.2); c.4114G>A, p.Glu1372Lys (NM_001354898.2); c.4105G>A, p.Glu1369Lys (NM_001354899.2); c.4066G>A, p.Glu1356Lys (NM_001354900.2); c.4012G>A, p.Glu1338Lys (NM_001354901.2, NM_001407453.1); and 11 more; short protein forms E1268K, E1356K, E1369K, E1372K, E1415K, E1013K, E1114K, E1338K.
Identifiers: ClinVar variation 4592842 (VCV004592842.1).